The following is an entry in ClinVar:

NM_181507.2(HPS5):c.2078G>T (p.Arg693Met)

Gene: HPS5 (HPS5 biogenesis of lysosomal organelles complex 2 subunit 2; minus strand). Cytogenetic location: 11p15.1.
Variant type: single nucleotide variant.
Coding change: c.2078G>T on transcript NM_181507.2 (MANE Select); coding-DNA position 2078, G replaced by T.
Protein change: p.Arg693Met; replaces arginine 693 with methionine.
Molecular consequence: missense variant.
Genome position (GRCh38, 1-based): chr11:18,291,804, C>A on the plus strand (G>T on the coding strand, the complement: HPS5 is on the minus strand). VCF-style: chr11-18291804-C-A. GRCh37 (hg19) VCF-style: chr11-18313351-C-A.
Other names: c.1736G>T, p.Arg579Met (NM_007216.4, NM_181508.2); short protein forms R579M, R693M.
Identifiers: ClinVar variation 1500795 (VCV001500795.3), dbSNP rs1311058707, ClinGen allele CA5909927.

ClinVar aggregate classification (germline): Uncertain significance (1 of 4 stars; one submission).

Allele frequency attached by ClinVar (database versions not stated): ExAC 0.00002; gnomAD exomes 0.00003; TOPMed 0.00003; gnomAD 0.00006.
gnomAD v4.1: 51 of 1,613,120 alleles (0.0032%); highest among the groups gnomAD compares: Non-Finnish European, 0.0042%; no homozygotes.

Submission:

Labcorp Genetics (formerly Invitae), Labcorp
Classification: Uncertain significance. Last evaluated: 2021-10-09. Review status: criteria provided, single submitter. Criteria: Invitae Variant Classification Sherloc (09022015). Collection method: clinical testing. Allele origin: germline.
Comment: This sequence change replaces arginine with methionine at codon 693 of the HPS5 protein (p.Arg693Met). The arginine residue is moderately conserved and there is a moderate physicochemical difference between arginine and methionine. This variant is present in population databases (no rsID available, ExAC 0.004%). This variant has not been reported in the literature in individuals affected with HPS5-related conditions. Algorithms developed to predict the effect of missense changes on protein structure and function are either unavailable or do not agree on the potential impact of this missense change (SIFT: "Tolerated"; PolyPhen-2: "Possibly Damaging"; Align-GVGD: "Class C0"). In summary, the available evidence is currently insufficient to determine the role of this variant in disease. Therefore, it has been classified as a Variant of Uncertain Significance.